The following is an entry in ClinVar:

NM_172107.4(KCNQ2):c.1763+20G>A

Gene: KCNQ2 (potassium voltage-gated channel subfamily Q member 2; minus strand). Cytogenetic location: 20q13.33.
Variant type: single nucleotide variant.
Coding change: c.1763+20G>A on transcript NM_172107.4 (MANE Select); 20 bases into the intron after coding-DNA position 1763, G replaced by A.
Molecular consequence: intron variant.
Genome position (GRCh38, 1-based): chr20:63,413,430, C>T on the plus strand (G>A on the coding strand, the complement: KCNQ2 is on the minus strand). VCF-style: chr20-63413430-C-T. GRCh37 (hg19) VCF-style: chr20-62044783-C-T.
Other names: c.1679+20G>A (NM_004518.6); c.1670+20G>A (NM_172108.5); c.1709+20G>A (NM_172106.3).
Identifiers: ClinVar variation 387870 (VCV000387870.9), dbSNP rs774318503, ClinGen allele CA9958315.
Genomic context (GRCh38, chr20:63,413,430, plus strand): 5'-CACCATGGGCCACAGTGGGCTTTGTCCCAGAAGCCCACCCCGTTCTTGTCCCCTGCTGGA[C>T]AGGCAGGCGGGGCTCTTGCCTGGACTGCAGGCTCTTAATTCGGGACAGCATGTCCAGGTG-3'

ClinVar aggregate classification (germline): Likely benign. Review status: criteria provided, multiple submitters, no conflicts (2 of 4 stars). 2 submissions from 2 submitters: Likely benign (2). Last evaluated 2025-11-17.

Conditions:
Early-infantile DEE. Also called: Ohtahara syndrome; Early infantile epileptic encephalopathy; Early infantile epileptic encephalopathy with suppression bursts. Identifiers: Orphanet 1934, MedGen C0393706, MONDO:0800491.

Allele frequency attached by ClinVar (database versions not stated): gnomAD 0.00001; TOPMed 0.00002; gnomAD exomes 0.00003 and 0.00004; ExAC 0.00007.
gnomAD v4.1: 41 of 1,612,834 alleles (0.0025%); highest among the groups gnomAD compares: Non-Finnish European, 0.0034%; no homozygotes.

Submissions (2):

Labcorp Genetics (formerly Invitae), Labcorp
Classification: Likely benign for Early-infantile DEE. Last evaluated: 2025-11-17. Review status: criteria provided, single submitter. Criteria: Invitae Variant Classification Sherloc (09022015). Collection method: clinical testing. Allele origin: germline.

GeneDx
Classification: Likely benign. Last evaluated: 2016-07-21. Review status: criteria provided, single submitter. Criteria: GeneDx Variant Classification (06012015). Collection method: clinical testing. Allele origin: germline. Affected: yes.
Comment: This variant is considered likely benign or benign based on one or more of the following criteria: it is a conservative change, it occurs at a poorly conserved position in the protein, it is predicted to be benign by multiple in silico algorithms, and/or has population frequency not consistent with disease.